The following is an entry in ClinVar:

NM_001385641.1(SAMD11):c.2054-1G>T

Genes: SAMD11 (sterile alpha motif domain containing 11; plus strand), LOC129929063 (ATAC-STARR-seq lymphoblastoid active region 4; plus strand). Cytogenetic location: 1p36.33.
Variant type: single nucleotide variant.
Coding change: c.2054-1G>T on transcript NM_001385641.1 (MANE Select); the canonical splice acceptor site of the intron before coding-DNA position 2054, G replaced by T.
Molecular consequence: splice acceptor variant.
Genome position (GRCh38, 1-based): chr1:943,252, G>T. VCF-style: chr1-943252-G-T. GRCh37 (hg19) VCF-style: chr1-878632-G-T.
Other names: c.2057-1G>T (NM_001385640.1); c.1565-1G>T (NM_152486.4).
Identifiers: ClinVar variation 1020249 (VCV001020249.6), dbSNP rs761946750, ClinGen allele CA503121.
Genomic context (GRCh38, chr1:943,252, plus strand): 5'-CAGGAGACGGGCGGGTATGGGAAAGCCAGCCAGAGCCCTAGTAACACGCCCCACAACTCA[G>T]GCGCGGTAGGGGGACTCTCCATGGATGGGGAGGAGGCCCCAGCCCCTGAGGACGTCACCA-3'

ClinVar aggregate classification (germline): Uncertain significance (1 of 4 stars; one submission).

Allele frequency attached by ClinVar (database versions not stated): gnomAD exomes below 0.00001; ExAC 0.00001; gnomAD 0.00001; TOPMed 0.00002.

Submission:

Labcorp Genetics (formerly Invitae), Labcorp
Classification: Uncertain significance. Last evaluated: 2020-08-31. Review status: criteria provided, single submitter. Criteria: Invitae Variant Classification Sherloc (09022015). Collection method: clinical testing. Allele origin: germline.
Comment: This variant has not been reported in the literature in individuals with SAMD11-related conditions. Algorithms developed to predict the effect of sequence changes on RNA splicing suggest that this variant may disrupt the consensus splice site, but this prediction has not been confirmed by published transcriptional studies. The current clinical and genetic evidence is not sufficient to establish whether loss-of-function variants in SAMD11 cause disease. In summary, the available evidence is currently insufficient to determine the role of this variant in disease. Therefore, it has been classified as a Variant of Uncertain Significance. This variant is present in population databases (rs761946750, ExAC 0.002%). This sequence change affects an acceptor splice site in intron 11 of the SAMD11 gene. It is expected to disrupt RNA splicing and likely results in an absent or disrupted protein product.